The following is an entry in ClinVar:

ClinVar aggregate classification (germline): Uncertain significance. Review status: criteria provided, multiple submitters, no conflicts (2 of 4 stars). 3 submissions from 3 submitters: Uncertain significance (3). Last evaluated 2025-05-20.

Conditions:
Inborn genetic diseases. Identifiers: MedGen C0950123, MeSH D030342.

Allele frequency attached by ClinVar (database versions not stated): gnomAD exomes 0.00002; ExAC 0.00004; ESP Exome Variant Server 0.00008.
gnomAD v4.1: 11 of 1,611,038 alleles (0.00068%); highest among the groups gnomAD compares: South Asian, 0.0011%; no homozygotes.

Submissions (3):

Ambry Genetics
Classification: Uncertain significance for Inborn genetic diseases. Last evaluated: 2025-05-20. Review status: criteria provided, single submitter. Criteria: Ambry Variant Classification Scheme 2023. Collection method: clinical testing. Allele origin: germline.

GeneDx
Classification: Uncertain significance. Last evaluated: 2022-11-18. Review status: criteria provided, single submitter. Criteria: GeneDx Variant Classification Process June 2021. Collection method: clinical testing. Allele origin: germline. Affected: yes.
Comment: In silico analysis supports that this missense variant has a deleterious effect on protein structure/function; Has not been previously published as pathogenic or benign to our knowledge

CeGaT Center for Human Genetics Tuebingen
Classification: Uncertain significance. Last evaluated: 2021-09-01. Review status: criteria provided, single submitter. Criteria: CeGaT Center For Human Genetics Tuebingen Variant Classification Criteria Version 2. Collection method: clinical testing. Allele origin: germline. Affected: yes. Observed: 4 variant alleles.

NM_016111.4(TELO2):c.2275C>T (p.Arg759Cys)

Gene: TELO2 (telomere maintenance 2; plus strand). Cytogenetic location: 16p13.3.
Variant type: single nucleotide variant.
Coding change: c.2275C>T on transcript NM_016111.4 (MANE Select); coding-DNA position 2275, C replaced by T.
Protein change: p.Arg759Cys; replaces arginine 759 with cysteine.
Molecular consequence: missense variant.
Genome position (GRCh38, 1-based): chr16:1,507,354, C>T. VCF-style: chr16-1507354-C-T. GRCh37 (hg19) VCF-style: chr16-1557355-C-T.
Other names: c.2275C>T, p.Arg759Cys (NM_001351846.2); short protein forms R759C.
Identifiers: ClinVar variation 1175880 (VCV001175880.36), dbSNP rs148721289, ClinGen allele CA7812582.